The following is an entry in ClinVar:

ClinVar aggregate classification (germline): Uncertain significance (1 of 4 stars; one submission).

Conditions:
X-linked Alport syndrome (ATS1). Also called: NEPHROPATHY AND DEAFNESS, X-LINKED; COL4A5-Related Nephropathy. Identifiers: Orphanet 63, Orphanet 88917, MedGen C4746986, MONDO:0010520, OMIM 301050.

Submission:

3billion
Classification: Uncertain significance for X-linked Alport syndrome. Last evaluated: 2023-02-23. Review status: criteria provided, single submitter. Criteria: ACMG Guidelines, 2015. Collection method: clinical testing. Allele origin: unknown. Affected: yes.
Comment: The variant is not observed in the gnomAD v2.1.1 dataset. Inframe deletion located in a nonrepeat region was predicted to change the length of the protein and disrupt normal protein function. Therefore, this variant is classified as VUS according to the recommendation of ACMG/AMP guideline.

NM_033380.3(COL4A5):c.3499_3504del (p.Gly1167_Lys1168del)

Gene: COL4A5 (collagen type IV alpha 5 chain; plus strand). Cytogenetic location: Xq22.3.
Variant type: Deletion.
Coding change: c.3499_3504del on transcript NM_033380.3 (MANE Select); coding-DNA positions 3499 to 3504, 6 bases deleted (GGCAAA; older notation c.3499_3504delGGCAAA).
Protein change: p.Gly1167_Lys1168del.
Molecular consequence: inframe deletion.
Genome position (GRCh38, 1-based): chrX:108,666,540-108,666,545, GGCAAA deleted; deleting any 6 consecutive bases within chrX:108,666,537-108,666,545 gives the same sequence; the c. name uses the placement nearest the transcript's 3' end. VCF-style (leftmost placement, unchanged base first): chrX-108666536-AAAAGGC-A. GRCh37 (hg19) VCF-style: chrX-107909766-AAAAGGC-A.
Other names: c.3499_3504del, p.Gly1167_Lys1168del (NM_000495.5).
Identifiers: ClinVar variation 2444221 (VCV002444221.1), dbSNP rs2524567028, ClinGen allele CA2580100167.